The following is an entry in ClinVar:

NM_001031710.3(KLHL7):c.1710A>C (p.Leu570Phe)

Gene: KLHL7 (kelch like family member 7; plus strand). Cytogenetic location: 7p15.3.
Variant type: single nucleotide variant.
Coding change: c.1710A>C on transcript NM_001031710.3 (MANE Select); coding-DNA position 1710, A replaced by C.
Protein change: p.Leu570Phe; replaces leucine 570 with phenylalanine.
Molecular consequence: missense variant. On other transcripts: non-coding transcript variant (1).
Genome position (GRCh38, 1-based): chr7:23,174,247, A>C. VCF-style: chr7-23174247-A-C. GRCh37 (hg19) VCF-style: chr7-23213866-A-C.
Other names: c.1566A>C, p.Leu522Phe (NM_018846.5); short protein forms L522F, L570F.
Identifiers: ClinVar variation 1009438 (VCV001009438.8), dbSNP rs1785241072, ClinGen allele CA366982868.

ClinVar aggregate classification (germline): Uncertain significance (1 of 4 stars; one submission).

Submission:

Labcorp Genetics (formerly Invitae), Labcorp
Classification: Uncertain significance. Last evaluated: 2025-04-16. Review status: criteria provided, single submitter. Criteria: Invitae Variant Classification Sherloc (09022015). Collection method: clinical testing. Allele origin: germline.
Comment: This sequence change replaces leucine, which is neutral and non-polar, with phenylalanine, which is neutral and non-polar, at codon 570 of the KLHL7 protein (p.Leu570Phe). This variant is not present in population databases (gnomAD no frequency). This variant has not been reported in the literature in individuals affected with KLHL7-related conditions. ClinVar contains an entry for this variant (Variation ID: 1009438). An algorithm developed to predict the effect of missense changes on protein structure and function (PolyPhen-2) suggests that this variant is likely to be tolerated. In summary, the available evidence is currently insufficient to determine the role of this variant in disease. Therefore, it has been classified as a Variant of Uncertain Significance.